The following is an entry in ClinVar:

NM_005219.5(DIAPH1):c.2488A>G (p.Lys830Glu)

Gene: DIAPH1 (diaphanous related formin 1; minus strand). Cytogenetic location: 5q31.3.
Variant type: single nucleotide variant.
Coding change: c.2488A>G on transcript NM_005219.5 (MANE Select); coding-DNA position 2488, A replaced by G.
Protein change: p.Lys830Glu; replaces lysine 830 with glutamic acid.
Molecular consequence: missense variant.
Genome position (GRCh38, 1-based): chr5:141,534,428, T>C on the plus strand (A>G on the coding strand, the complement: DIAPH1 is on the minus strand). VCF-style: chr5-141534428-T-C. GRCh37 (hg19) VCF-style: chr5-140913995-T-C.
Other names: c.2461A>G, p.Lys821Glu (NM_001079812.3); c.2488A>G, p.Lys830Glu (NM_001314007.2); short protein forms K821E, K830E.
Identifiers: ClinVar variation 2070082 (VCV002070082.4), dbSNP rs1293774648, ClinGen allele CA361588086.

ClinVar aggregate classification (germline): Uncertain significance (1 of 4 stars; one submission).

Conditions:
Autosomal dominant nonsyndromic hearing loss 1. Also called: DEAFNESS, AUTOSOMAL DOMINANT 1, WITH OR WITHOUT THROMBOCYTOPENIA; KONIGSMARK SYNDROME. Identifiers: Orphanet 90635, MedGen C1852282, MONDO:0007424, OMIM 124900.
Progressive microcephaly-seizures-cortical blindness-developmental delay syndrome. Also called: Seizures, cortical blindness, and microcephaly syndrome. Identifiers: Orphanet 477814, MedGen C5567650, MONDO:0014714, OMIM 616632.

Allele frequency attached by ClinVar (database versions not stated): gnomAD exomes below 0.00001; TOPMed below 0.00001; gnomAD 0.00001.
gnomAD v4.1: 3 of 1,613,202 alleles (0.00019%); highest among the groups gnomAD compares: South Asian, 0.0022%; no homozygotes.

Submission:

Labcorp Genetics (formerly Invitae), Labcorp
Classification: Uncertain significance for Progressive microcephaly-seizures-cortical blindness-developmental delay syndrome; Autosomal dominant nonsyndromic hearing loss 1. Last evaluated: 2024-12-06. Review status: criteria provided, single submitter. Criteria: Invitae Variant Classification Sherloc (09022015). Collection method: clinical testing. Allele origin: germline.
Comment: This sequence change replaces lysine, which is basic and polar, with glutamic acid, which is acidic and polar, at codon 830 of the DIAPH1 protein (p.Lys830Glu). This variant is present in population databases (no rsID available, gnomAD 0.01%). This variant has not been reported in the literature in individuals affected with DIAPH1-related conditions. ClinVar contains an entry for this variant (Variation ID: 2070082). An algorithm developed to predict the effect of missense changes on protein structure and function (PolyPhen-2) suggests that this variant is likely to be disruptive. In summary, the available evidence is currently insufficient to determine the role of this variant in disease. Therefore, it has been classified as a Variant of Uncertain Significance.